The following is an entry in ClinVar:

ClinVar aggregate classification (germline): Uncertain significance (1 of 4 stars; one submission).

gnomAD v4.1: 2 of 1,606,734 alleles (0.00012%); highest among the groups gnomAD compares: African/African-American, 0.0013%; no homozygotes.

Submission:

Ambry Genetics
Classification: Uncertain significance. Last evaluated: 2025-02-22. Review status: criteria provided, single submitter. Criteria: Ambry Variant Classification Scheme 2023. Collection method: clinical testing. Allele origin: germline.
Comment: The p.L1054V variant (also known as c.3160C>G), located in coding exon 12 of the WNK2 gene, results from a C to G substitution at nucleotide position 3160. The leucine at codon 1054 is replaced by valine, an amino acid with highly similar properties. This amino acid position is conserved. In addition, this alteration is predicted to be tolerated by in silico analysis. Based on the available evidence, the clinical significance of this variant remains unclear.

NM_006648.4(WNK2):c.3160C>G (p.Leu1054Val)

Gene: WNK2 (WNK lysine deficient protein kinase 2; plus strand). Cytogenetic location: 9q22.31.
Variant type: single nucleotide variant.
Coding change: c.3160C>G on transcript NM_006648.4 (MANE Select); coding-DNA position 3160, C replaced by G.
Protein change: p.Leu1054Val; replaces leucine 1054 with valine.
Molecular consequence: missense variant.
Genome position (GRCh38, 1-based): chr9:93,261,907, C>G. VCF-style: chr9-93261907-C-G. GRCh37 (hg19) VCF-style: chr9-96024189-C-G.
Other names: c.3160C>G, p.Leu1054Val (NM_001282394.3); short protein forms L1054V.
Identifiers: ClinVar variation 3817139 (VCV003817139.1).